The following is an entry in ClinVar:

NM_031935.3(HMCN1):c.5530G>A (p.Val1844Ile)

Gene: HMCN1 (hemicentin 1; plus strand). Cytogenetic location: 1q31.1.
Variant type: single nucleotide variant.
Coding change: c.5530G>A on transcript NM_031935.3 (MANE Select); coding-DNA position 5530, G replaced by A.
Protein change: p.Val1844Ile; replaces valine 1844 with isoleucine.
Molecular consequence: missense variant.
Genome position (GRCh38, 1-based): chr1:186,019,600, G>A. VCF-style: chr1-186019600-G-A. GRCh37 (hg19) VCF-style: chr1-185988732-G-A.
Other names: c.5530G>A (NM_031935.2); short protein forms V1844I.
Identifiers: ClinVar variation 1381237 (VCV001381237.7), dbSNP rs748993057, ClinGen allele CA1292287.

ClinVar aggregate classification (germline): Conflicting classifications of pathogenicity. Review status: criteria provided, conflicting classifications (1 of 4 stars). 2 submissions from 2 submitters: Uncertain significance (1); Likely benign (1). Last evaluated 2025-12-17.

Allele frequency attached by ClinVar (database versions not stated): gnomAD 0.00003; TOPMed 0.00004; ExAC 0.00005; gnomAD exomes 0.00005 and 0.00008.
gnomAD v4.1: 111 of 1,609,860 alleles (0.0069%); highest among the groups gnomAD compares: Middle Eastern, 0.016%; no homozygotes.

Submissions (2):

Labcorp Genetics (formerly Invitae), Labcorp
Classification: Uncertain significance. Last evaluated: 2025-12-17. Review status: criteria provided, single submitter. Criteria: Invitae Variant Classification Sherloc (09022015). Collection method: clinical testing. Allele origin: germline.
Comment: This sequence change replaces valine, which is neutral and non-polar, with isoleucine, which is neutral and non-polar, at codon 1844 of the HMCN1 protein (p.Val1844Ile). This variant is present in population databases (rs748993057, gnomAD 0.02%). This variant has not been reported in the literature in individuals affected with HMCN1-related conditions. ClinVar contains an entry for this variant (Variation ID: 1381237). An algorithm developed to predict the effect of missense changes on protein structure and function outputs the following: PolyPhen-2: "Benign". The isoleucine amino acid residue is found in multiple mammalian species, which suggests that this missense change does not adversely affect protein function. In summary, the available evidence is currently insufficient to determine the role of this variant in disease. Therefore, it has been classified as a Variant of Uncertain Significance.

Ambry Genetics
Classification: Likely benign. Last evaluated: 2021-10-26. Review status: criteria provided, single submitter. Criteria: Ambry Variant Classification Scheme 2023. Collection method: clinical testing. Allele origin: germline.